The following is an entry in ClinVar:

NM_000552.5(VWF):c.7449C>T (p.Tyr2483=)

Gene: VWF (von Willebrand factor; minus strand). Cytogenetic location: 12p13.31.
Variant type: single nucleotide variant.
Coding change: c.7449C>T on transcript NM_000552.5 (MANE Select); coding-DNA position 7449, C replaced by T.
Protein change: p.Tyr2483=; no amino-acid change (tyrosine 2483 retained).
Molecular consequence: synonymous variant.
Genome position (GRCh38, 1-based): chr12:5,971,698, G>A on the plus strand (C>T on the coding strand, the complement: VWF is on the minus strand). VCF-style: chr12-5971698-G-A. GRCh37 (hg19) VCF-style: chr12-6080864-G-A.
Other names: c.7449C>T (NM_000552.3).
Identifiers: ClinVar variation 3375212 (VCV003375212.2).

ClinVar aggregate classification (germline): Likely benign. Review status: criteria provided, multiple submitters, no conflicts (2 of 4 stars). 2 submissions from 2 submitters: Likely benign (2). Last evaluated 2025-01-21.

Conditions:
Inborn genetic diseases. Identifiers: MedGen C0950123, MeSH D030342.

gnomAD v4.1: 71 of 1,614,030 alleles (0.0044%); highest among the groups gnomAD compares: Middle Eastern, 0.016%; no homozygotes.

Submissions (2):

Ambry Genetics
Classification: Likely benign for Inborn genetic diseases. Last evaluated: 2025-01-21. Review status: criteria provided, single submitter. Criteria: Ambry Variant Classification Scheme 2023. Collection method: clinical testing. Allele origin: germline.

Women's Health and Genetics/Laboratory Corporation of America, LabCorp
Classification: Likely benign. Last evaluated: 2024-09-25. Review status: criteria provided, single submitter. Criteria: LabCorp Variant Classification Summary - May 2015. Collection method: clinical testing. Allele origin: germline.
Comment: Variant summary: VWF c.7449C>T alters a non-conserved nucleotide resulting in a synonymous change. Consensus agreement among computation tools predict no significant impact on normal splicing. However, these predictions have yet to be confirmed by functional studies. The variant allele was found at a frequency of 4.4e-05 in 1607036 control chromosomes, predominantly at a frequency of 4.9e-05 within the Non-Finnish European subpopulation in the gnomAD database. To our knowledge, no occurrence of c.7449C>T in individuals affected with Von Willebrand Disease and no experimental evidence demonstrating its impact on protein function have been reported. No submitters have cited clinical-significance assessments for this variant to ClinVar. Based on the evidence outlined above, the variant was classified as likely benign.